The following is an entry in ClinVar:

NM_017419.3(ASIC5):c.1409A>G (p.Asn470Ser)

Gene: ASIC5 (acid sensing ion channel subunit family member 5; minus strand). Cytogenetic location: 4q32.1.
Variant type: single nucleotide variant.
Coding change: c.1409A>G on transcript NM_017419.3 (MANE Select); coding-DNA position 1409, A replaced by G.
Protein change: p.Asn470Ser; replaces asparagine 470 with serine.
Molecular consequence: missense variant.
Genome position (GRCh38, 1-based): chr4:155,829,965, T>C on the plus strand (A>G on the coding strand, the complement: ASIC5 is on the minus strand). VCF-style: chr4-155829965-T-C. GRCh37 (hg19) VCF-style: chr4-156751117-T-C.
Other names: short protein forms N470S.
Identifiers: ClinVar variation 2655152 (VCV002655152.24), dbSNP rs376534501, ClinGen allele CA3118083.
Genomic context (GRCh38, chr4:155,829,965, plus strand): 5'-GGAGTCCACTGGGTCATTTCAGATATCTTCAGCAAAAAGAAAATGCATATCCAGTAGAAA[T>C]TGGTGAATAGATATTCAATAATTTCTATGATCGTGATCAGACTGGCCCCACAAAATAGAC-3'
Protein context (NP_059115.1, residues 460-480): IIEIIEYLFT[Asn470Ser]FYWICIFFLL

ClinVar aggregate classification (germline): Likely benign (1 of 4 stars; one submission).

Allele frequency attached by ClinVar (database versions not stated): gnomAD exomes 0.00006; ExAC 0.00010; gnomAD 0.00012; ESP Exome Variant Server 0.00015.
gnomAD v4.1: 108 of 1,603,838 alleles (0.0067%); highest among the groups gnomAD compares: East Asian, 0.061%; no homozygotes.

Submission:

CeGaT Center for Human Genetics Tuebingen
Classification: Likely benign. Last evaluated: 2023-03-01. Review status: criteria provided, single submitter. Criteria: CeGaT Center For Human Genetics Tuebingen Variant Classification Criteria Version 2. Collection method: clinical testing. Allele origin: germline. Affected: yes. Observed: 1 variant allele.
Comment: ASIC5: BP4